The following is an entry in ClinVar:

ClinVar aggregate classification (germline): Uncertain significance. Review status: criteria provided, multiple submitters, no conflicts (2 of 4 stars). 4 submissions from 4 submitters: Uncertain significance (4). Last evaluated 2024-08-16.

Conditions:
Cardiovascular phenotype. Identifiers: MedGen CN230736.

Allele frequency attached by ClinVar (database versions not stated): gnomAD exomes 0.00001; TOPMed 0.00002; gnomAD 0.00003.
gnomAD v4.1: 11 of 1,548,346 alleles (0.00071%); highest among the groups gnomAD compares: African/African-American, 0.0014%; no homozygotes.

Submissions (4):

Labcorp Genetics (formerly Invitae), Labcorp
Classification: Uncertain significance. Last evaluated: 2024-08-16. Review status: criteria provided, single submitter. Criteria: Invitae Variant Classification Sherloc (09022015). Collection method: clinical testing. Allele origin: germline.
Comment: This sequence change replaces methionine, which is neutral and non-polar, with isoleucine, which is neutral and non-polar, at codon 500 of the ZNF469 protein (p.Met500Ile). This variant is present in population databases (no rsID available, gnomAD 0.004%). This variant has not been reported in the literature in individuals affected with ZNF469-related conditions. ClinVar contains an entry for this variant (Variation ID: 2210412). An algorithm developed to predict the effect of missense changes on protein structure and function outputs the following: PolyPhen-2: "Benign". The isoleucine amino acid residue is found in multiple mammalian species, which suggests that this missense change does not adversely affect protein function. In summary, the available evidence is currently insufficient to determine the role of this variant in disease. Therefore, it has been classified as a Variant of Uncertain Significance.

Mayo Clinic Laboratories, Mayo Clinic
Classification: Uncertain significance. Last evaluated: 2024-08-13. Review status: criteria provided, single submitter. Criteria: ACMG Guidelines, 2015. Collection method: clinical testing. Allele origin: germline. Observed: 1 variant allele.
Comment: BP4

GeneDx
Classification: Uncertain significance. Last evaluated: 2024-07-15. Review status: criteria provided, single submitter. Criteria: GeneDx Variant Classification Process June 2021. Collection method: clinical testing. Allele origin: germline.
Comment: Not observed at significant frequency in large population cohorts (gnomAD); In silico analysis indicates that this missense variant does not alter protein structure/function; Has not been previously published as pathogenic or benign to our knowledge

Ambry Genetics
Classification: Uncertain significance for Cardiovascular phenotype. Last evaluated: 2024-04-28. Review status: criteria provided, single submitter. Criteria: Ambry Variant Classification Scheme 2023. Collection method: clinical testing. Allele origin: germline.
Comment: The p.M500I variant (also known as c.1500G>A), located in coding exon 1 of the ZNF469 gene, results from a G to A substitution at nucleotide position 1500. The methionine at codon 500 is replaced by isoleucine, an amino acid with highly similar properties. This amino acid position is conserved. In addition, this alteration is predicted to be tolerated by in silico analysis. Based on the available evidence, the clinical significance of this variant remains unclear.

NM_001367624.2(ZNF469):c.1500G>A (p.Met500Ile)

Gene: ZNF469 (zinc finger protein 469; plus strand). Cytogenetic location: 16q24.2.
Variant type: single nucleotide variant.
Coding change: c.1500G>A on transcript NM_001367624.2 (MANE Select); coding-DNA position 1500, G replaced by A.
Protein change: p.Met500Ile; replaces methionine 500 with isoleucine.
Molecular consequence: missense variant.
Genome position (GRCh38, 1-based): chr16:88,428,970, G>A. VCF-style: chr16-88428970-G-A. GRCh37 (hg19) VCF-style: chr16-88495378-G-A.
Other names: NM_001127464.1:c.1500G>A; p.Met500Ile; short protein forms M500I.
Identifiers: ClinVar variation 2210412 (VCV002210412.7), dbSNP rs1005533271, ClinGen allele CA286372814.